The following is an entry in ClinVar:

NM_007294.4(BRCA1):c.5278-1644A>G

Gene: BRCA1 (BRCA1 DNA repair associated; minus strand). Cytogenetic location: 17q21.31.
Variant type: single nucleotide variant.
Coding change: c.5278-1644A>G on transcript NM_007294.4 (MANE Select); 1644 bases into the intron before coding-DNA position 5278, A replaced by G.
Molecular consequence: intron variant.
Genome position (GRCh38, 1-based): chr17:43,052,761, T>C on the plus strand (A>G on the coding strand, the complement: BRCA1 is on the minus strand). VCF-style: chr17-43052761-T-C. GRCh37 (hg19) VCF-style: chr17-41204778-T-C.
Other names: IVS 20-1644A>G; c.1630-1644A>G (NM_001408508.1); c.1756-1644A>G (NM_001408491.1, NM_001408481.1, NM_001408490.1 and 5 more transcripts); c.5062-1644A>G (NM_001407918.1, NM_001407915.1, NM_001407916.1 and 1 more transcripts); c.5065-1644A>G (NM_001407894.1, NM_001407909.1, NM_001407906.1 and 12 more transcripts); c.4939-1644A>G (NM_001407957.1, NM_001407958.1, NM_001407956.1); c.4942-1644A>G (NM_001407953.1, NM_001407955.1, NM_001407951.1 and 3 more transcripts); c.4945-1644A>G (NM_001407949.1, NM_001407946.1, NM_001407948.1 and 1 more transcripts); and 75 more.
Identifiers: ClinVar variation 209269 (VCV000209269.2), dbSNP rs34685631, ClinGen allele CA276241.

ClinVar aggregate classification (germline): Benign (3 of 4 stars; one submission).

Conditions:
Breast-ovarian cancer, familial, susceptibility to, 1 (BROVCA1). Also called: BRCA1 Hereditary Breast and Ovarian Cancer; OVARIAN CANCER, SUSCEPTIBILITY TO. Identifiers: Orphanet 145, MedGen C2676676, MONDO:0011450, OMIM 604370. Disease mechanism: loss of function.

Allele frequency attached by ClinVar (database versions not stated): 1000 Genomes Project 30x 0.00953; TOPMed 0.01051; gnomAD 0.01078 and 0.01156; 1000 Genomes Project 0.01178.
gnomAD v4.1: 1,446 of 135,474 alleles (1.1%); highest among the groups gnomAD compares: African/African-American, 3.9%; 35 homozygotes.

Submission:

Evidence-based Network for the Interpretation of Germline Mutant Alleles (ENIGMA)
Classification: Benign for Breast-ovarian cancer, familial 1. Last evaluated: 2015-01-12. Review status: reviewed by expert panel. Criteria: ENIGMA BRCA1/2 Classification Criteria (2015). Collection method: curation. Allele origin: germline.
Comment: Class 1 not pathogenic based on frequency >1% in an outbred sampleset. Frequency 0.05081 (African), derived from 1000 genomes (2012-04-30).